The following is an entry in ClinVar:

NM_001145165.2(DOHH):c.622G>A (p.Glu208Lys)

Gene: DOHH (deoxyhypusine hydroxylase; minus strand). Cytogenetic location: 19p13.3.
Variant type: single nucleotide variant.
Coding change: c.622G>A on transcript NM_001145165.2 (MANE Select); coding-DNA position 622, G replaced by A.
Protein change: p.Glu208Lys; replaces glutamic acid 208 with lysine.
Molecular consequence: missense variant.
Genome position (GRCh38, 1-based): chr19:3,491,779, C>T on the plus strand (G>A on the coding strand, the complement: DOHH is on the minus strand). VCF-style: chr19-3491779-C-T. GRCh37 (hg19) VCF-style: chr19-3491777-C-T.
Other names: c.622G>A, p.Glu208Lys (NM_031304.5); c.622G>A (NM_001145165.1); short protein forms E208K.
Identifiers: ClinVar variation 3777177 (VCV003777177.1).

ClinVar aggregate classification (germline): Uncertain significance (1 of 4 stars; one submission).

Conditions:
DOHH related neurodevelopmental disorder.

Submission:

University of Washington Department of Laboratory Medicine, University of Washington
Classification: Uncertain significance for DOHH-related neurodevelopmental disorder. Last evaluated: 2022-07-08. Review status: criteria provided, single submitter. Criteria: ACMG Guidelines, 2015. Collection method: clinical testing. Allele origin: de novo. Affected: yes.
Comment: This variant has been identified in 1/98400 chromosomes by the Genome Aggregation Database. Although this variant has been seen in the general population, its frequency is low enough to be consistent with a recessive carrier frequency. The p.Glu208Lys variant replaces an acidic amino acid residue with a basic residue at one of four strictly conserved His-Glu (HE) pairs in the iron dependent HEAT-repeat structure that is necessary for protein fuction (Kim 2006). In silico tools do not consistently predict if the p.Glu208Lys variant impacts protein function; however, these predictions have not been tested directly. Using ACMG guidelines, this variant was classified as a variant of uncertain significance (ACMG evidence codes used: PS2_moderate, PM1, PM2_supporting).